The following is an entry in ClinVar:

NM_000112.4(SLC26A2):c.*3507T>A

Gene: SLC26A2 (solute carrier family 26 member 2; plus strand). Cytogenetic location: 5q32.
Variant type: single nucleotide variant.
Coding change: c.*3507T>A on transcript NM_000112.4 (MANE Select); 3507 bases downstream of the stop codon, T replaced by A.
Molecular consequence: 3 prime UTR variant.
Genome position (GRCh38, 1-based): chr5:149,985,320, T>A. VCF-style: chr5-149985320-T-A. GRCh37 (hg19) VCF-style: chr5-149364883-T-A.
Identifiers: ClinVar variation 905986 (VCV000905986.4), dbSNP rs180966130, ClinGen allele CA129085867.

ClinVar aggregate classification (germline): Conflicting classifications of pathogenicity. Review status: criteria provided, conflicting classifications (1 of 4 stars). 5 submissions from 1 submitter: Uncertain significance (2); Likely benign (3). Last evaluated 2018-01-13.

Conditions:
Sulfate transporter-related osteochondrodysplasia. Also called: DTDST-related dysplasias. Identifiers: MedGen CN120497. Disease mechanism: loss of function.
Achondrogenesis, type IB (ACG1B). Also called: Achondrogenesis Type 1B. Identifiers: Orphanet 932, Orphanet 93298, MedGen C0265274, MONDO:0010966, OMIM 600972.
Multiple epiphyseal dysplasia type 4 (EDM4). Also called: SLC26A2-Related Multiple Epiphyseal Dysplasia; MULTIPLE EPIPHYSEAL DYSPLASIA WITH BILAYERED PATELLAE; MULTIPLE EPIPHYSEAL DYSPLASIA WITH CLUBFOOT; MULTIPLE EPIPHYSEAL DYSPLASIA, AUTOSOMAL RECESSIVE; Multiple Epiphyseal Dysplasia, Recessive. Identifiers: Orphanet 93307, MedGen C1847593, MONDO:0009189, OMIM 226900.
Atelosteogenesis type II (AO2). Also called: Neonatal osseous dysplasia 1; NEONATAL OSSEOUS DYSPLASIA I; SLC26A2-Related Atelosteogenesis. Identifiers: Orphanet 56304, MedGen C1850554, MONDO:0009727, OMIM 256050.
Diastrophic dysplasia (DTD). Also called: Diastrophic dwarfism. Identifiers: Orphanet 628, MedGen C0220726, MONDO:0009107, OMIM 222600.

Allele frequency attached by ClinVar (database versions not stated): gnomAD 0.00285 and 0.00309; 1000 Genomes Project 0.00300; 1000 Genomes Project 30x 0.00328; TOPMed 0.00329.

Submissions (5):

Illumina Laboratory Services, Illumina
Classification: Likely benign for Achondrogenesis, type IB. Last evaluated: 2018-01-13. Review status: criteria provided, single submitter. Criteria: ICSL Variant Classification Criteria 13 December 2019. Collection method: clinical testing. Allele origin: germline.
Comment: This variant was observed in the ICSL laboratory as part of a predisposition screen in an ostensibly healthy population. It had not been previously curated by ICSL or reported in the Human Gene Mutation Database (HGMD: prior to June 1st, 2018), and was therefore a candidate for classification through an automated scoring system. Utilizing variant allele frequency, disease prevalence and penetrance estimates, and inheritance mode, an automated score was calculated to assess if this variant is too frequent to cause the disease. Based on the score and internal cut-off values, a variant classified as likely benign is not then subjected to further curation. The score for this variant resulted in a classification of likely benign for this disease.

Illumina Laboratory Services, Illumina
Classification: Likely benign for Atelosteogenesis type II. Last evaluated: 2018-01-13. Review status: criteria provided, single submitter. Criteria: ICSL Variant Classification Criteria 13 December 2019. Collection method: clinical testing. Allele origin: germline.
Comment: the same text as in the submission from Illumina Laboratory Services, Illumina above.

Illumina Laboratory Services, Illumina
Classification: Uncertain significance for Osteochondrodysplasia. Last evaluated: 2018-01-13. Review status: criteria provided, single submitter. Criteria: ICSL Variant Classification Criteria 13 December 2019. Collection method: clinical testing. Allele origin: germline.

Illumina Laboratory Services, Illumina
Classification: Likely benign for Diastrophic dysplasia. Last evaluated: 2018-01-13. Review status: criteria provided, single submitter. Criteria: ICSL Variant Classification Criteria 13 December 2019. Collection method: clinical testing. Allele origin: germline.
Comment: the same text as in the submission from Illumina Laboratory Services, Illumina above.

Illumina Laboratory Services, Illumina
Classification: Uncertain significance for Multiple epiphyseal dysplasia type 4. Last evaluated: 2018-01-13. Review status: criteria provided, single submitter. Criteria: ICSL Variant Classification Criteria 13 December 2019. Collection method: clinical testing. Allele origin: germline.